The following is an entry in ClinVar:

NM_000222.3(KIT):c.2919C>T (p.His973=)

Gene: KIT (KIT proto-oncogene, receptor tyrosine kinase; plus strand). Cytogenetic location: 4q12.
Variant type: single nucleotide variant.
Coding change: c.2919C>T on transcript NM_000222.3 (MANE Select); coding-DNA position 2919, C replaced by T.
Protein change: p.His973=; no amino-acid change (histidine 973 retained).
Molecular consequence: synonymous variant.
Genome position (GRCh38, 1-based): chr4:54,738,545, C>T. VCF-style: chr4-54738545-C-T. GRCh37 (hg19) VCF-style: chr4-55604711-C-T.
Other names: c.2907C>T, p.His969= (NM_001093772.2, NM_001385292.1); c.2922C>T, p.His974= (NM_001385284.1); c.2916C>T, p.His972= (NM_001385285.1); c.2904C>T, p.His968= (NM_001385286.1); c.2910C>T, p.His970= (NM_001385288.1); c.2919C>T, p.His973= (NM_001385290.1).
Identifiers: ClinVar variation 528696 (VCV000528696.16), dbSNP rs755974085, ClinGen allele CA2923901.
Genomic context (GRCh38, chr4:54,738,545, plus strand): 5'-TTCTGTGCGGATCAATTCTGTCGGCAGCACCGCTTCCTCCTCCCAGCCTCTGCTTGTGCA[C>T]GACGATGTCTGAGCAGAATCAGTGTTTGGGTCACCCCTCCAGGAATGATCTCTTCTTTTG-3'
Protein context (NP_000213.1, residues 963-976): TASSSQPLLV[His973=]DDV

ClinVar aggregate classification (germline): Benign/Likely benign. Review status: criteria provided, multiple submitters, no conflicts (2 of 4 stars). 4 submissions from 4 submitters: Benign (1); Likely benign (3). Last evaluated 2026-06-05.

Conditions:
KIT-related disorder. Also called: KIT-related condition.
Hereditary cancer-predisposing syndrome. Also called: Hereditary neoplastic syndrome; Hereditary Cancer Syndrome; Neoplastic Syndromes, Hereditary; Tumor predisposition. Identifiers: Orphanet 140162, MedGen C0027672, MeSH D009386, MONDO:0015356.
Gastrointestinal stromal tumor. Also called: Gastrointestinal stroma tumor; Gastrointestinal stromal tumor, somatic. Identifiers: Orphanet 44890, MedGen C0238198, MeSH D046152, MONDO:0011719, OMIM 606764, HP:0100723.

Allele frequency attached by ClinVar (database versions not stated): TOPMed below 0.00001; gnomAD exomes 0.00001 and 0.00003; ExAC 0.00004.
gnomAD v4.1: 14 of 1,614,030 alleles (0.00087%); highest among the groups gnomAD compares: East Asian, 0.011%; no homozygotes.

Submissions (4):

Myriad Genetics, Inc.
Classification: Benign for Gastrointestinal stromal tumor. Last evaluated: 2026-06-05. Review status: criteria provided, single submitter. Criteria: Myriad Autosomal Dominant, Autosomal Recessive and X-Linked Classification Criteria (2023). Collection method: clinical testing. Allele origin: unknown.
Comment: This variant is considered benign. This variant is a silent/synonymous amino acid change and it is not expected to impact splicing.

Labcorp Genetics (formerly Invitae), Labcorp
Classification: Likely benign for Gastrointestinal stromal tumor. Last evaluated: 2025-12-07. Review status: criteria provided, single submitter. Criteria: Invitae Variant Classification Sherloc (09022015). Collection method: clinical testing. Allele origin: germline.

PreventionGenetics, part of Exact Sciences
Classification: Likely benign for KIT-related condition. Last evaluated: 2025-05-20. Review status: criteria provided, single submitter. Criteria: ACMG Guidelines, 2015. Collection method: clinical testing. Allele origin: germline.
Comment: This variant is classified as likely benign based on ACMG/AMP sequence variant interpretation guidelines (Richards et al. 2015 PMID: 25741868, with internal and published modifications).

Ambry Genetics
Classification: Likely benign for Hereditary cancer-predisposing syndrome. Last evaluated: 2022-04-21. Review status: criteria provided, single submitter. Criteria: Ambry Variant Classification Scheme 2023. Collection method: clinical testing. Allele origin: germline.